The following is an entry in ClinVar:

NM_000969.5(RPL5):c.244G>T (p.Glu82Ter)

Genes: DIPK1A (divergent protein kinase domain 1A; minus strand), RPL5 (ribosomal protein L5; plus strand). Cytogenetic location: 1p22.1.
Variant type: single nucleotide variant.
Coding change: c.244G>T on transcript NM_000969.5 (MANE Select); coding-DNA position 244, G replaced by T.
Protein change: p.Glu82Ter; replaces glutamic acid 82 with a stop codon.
Molecular consequence: nonsense. On other transcripts: non-coding transcript variant (1), intron variant (1).
Genome position (GRCh38, 1-based): chr1:92,834,833, G>T. VCF-style: chr1-92834833-G-T. GRCh37 (hg19) VCF-style: chr1-93300390-G-T.
Other names: c.475-1799C>A (NM_001252273.2); short protein forms E82*.
Identifiers: ClinVar variation 100638 (VCV000100638.6), dbSNP rs587777117, ClinGen allele CA267570.
Genomic context (GRCh38, chr1:92,834,833, plus strand): 5'-CTATAGATTGCTTATGCCCGTATAGAGGGGGATATGATAGTCTGCGCAGCGTATGCACAC[G>T]AACTGCCAAAATATGGTGTGAAGGTTGGCCTGACAAATTATGCTGCAGCATATTGTACTG-3'

ClinVar aggregate classification (germline): Pathogenic. Review status: criteria provided, multiple submitters, no conflicts (2 of 4 stars). 3 submissions from 3 submitters: Pathogenic (2). 1 of the submissions does not count toward it. Last evaluated 2020-11-04.

Conditions:
RPL5-related disorder. Also called: RPL5-related condition.
Diamond-Blackfan anemia 6 (DBA6). Also called: RPL5-Related Diamond-Blackfan Anemia. Identifiers: Orphanet 124, MedGen C2931850, MONDO:0012937, OMIM 612561.
Diamond-Blackfan anemia. Also called: Blackfan Diamond syndrome; Aregenerative anemia chronic congenital; Red cell aplasia, pure hereditary; Congenital hypoplastic anemia; Aase syndrome. Identifiers: Orphanet 124, MedGen C1260899, MeSH D029503, MONDO:0015253, HP:0004810.

Submissions (3):

Blueprint Genetics
Classification: Pathogenic for RPL5-related disorders. Last evaluated: 2020-11-04. Review status: criteria provided, single submitter. Criteria: ACMG Guidelines, 2015. Collection method: clinical testing. Allele origin: germline. Affected: yes. Observed: 1 variant allele.

Ambry Genetics
Classification: Pathogenic for Diamond-Blackfan anemia. Last evaluated: 2014-05-27. Review status: criteria provided, single submitter. Criteria: Ambry Variant Classification Scheme 2023. Collection method: clinical testing. Allele origin: germline.
Comment: The p.E82* pathogenic mutation (also known as c.244G>T), located in coding exon 4 of the RPL5 gene, results from a G to T substitution at nucleotide position 244. This changes the amino acid from a to a stop codon within coding exon 4. In one study, this mutation was reported in a mother and daughter with DBA. Both had high erythrocyte adenosine deaminase, and while the mother was steroid responsive the daughter developed secondary steroid resistance (Gerrard G et al. Br J Haematol. 2013;162(4):530-536). In addition to the clinical data presented in the literature, since premature stop codons are typically deleterious in nature, this alteration is interpreted as a disease-causing mutation (ACMG Recommendations for Standards for Interpretation and Reporting of Sequence Variations. Revision 2007. Genet Med. 2008;10:294).

OMIM
Classification: Pathogenic for DIAMOND-BLACKFAN ANEMIA 6. Last evaluated: 2013-08-01. Review status: no assertion criteria provided. Collection method: literature only. Allele origin: germline. Not counted in ClinVar's aggregate classification.

Literature cited by the submitters: PubMed 23718193 (cited by Ambry Genetics and OMIM).